The following is an entry in ClinVar:

NM_000069.3(CACNA1S):c.5572C>T (p.Leu1858Phe)

Gene: CACNA1S (calcium voltage-gated channel subunit alpha1 S; minus strand). Cytogenetic location: 1q32.1.
Variant type: single nucleotide variant.
Coding change: c.5572C>T on transcript NM_000069.3 (MANE Select); coding-DNA position 5572, C replaced by T.
Protein change: p.Leu1858Phe; replaces leucine 1858 with phenylalanine.
Molecular consequence: missense variant.
Genome position (GRCh38, 1-based): chr1:201,039,881, G>A on the plus strand (C>T on the coding strand, the complement: CACNA1S is on the minus strand). VCF-style: chr1-201039881-G-A. GRCh37 (hg19) VCF-style: chr1-201009009-G-A.
Other names: c.5572C>T (NM_000069.2); short protein forms L1858F.
Identifiers: ClinVar variation 1517292 (VCV001517292.8), dbSNP rs1356229958, ClinGen allele CA344128262.

ClinVar aggregate classification (germline): Conflicting classifications of pathogenicity. Review status: criteria provided, conflicting classifications (1 of 4 stars). 3 submissions from 3 submitters: Uncertain significance (2); Likely benign (1). Last evaluated 2025-01-13.

Conditions:
Hypokalemic periodic paralysis, type 1. Also called: HypoPP; Hypokalemic Periodic Paralysis Type 1 (AD). Identifiers: Orphanet 681, MedGen C3714580, MONDO:0042979, OMIM 170400.
Malignant hyperthermia, susceptibility to, 5 (MHS5). Also called: CACNA1S-Related Malignant Hyperthermia Susceptibility. Identifiers: Orphanet 423, MedGen C1866077, MONDO:0011163, OMIM 601887.
Inborn genetic diseases. Identifiers: MedGen C0950123, MeSH D030342.

Allele frequency attached by ClinVar (database versions not stated): gnomAD exomes below 0.00001 and 0.00001; gnomAD 0.00001; TOPMed 0.00001.
gnomAD v4.1: 5 of 1,612,048 alleles (0.00031%); highest among the groups gnomAD compares: Admixed American, 0.0017%; no homozygotes.

Submissions (3):

Labcorp Genetics (formerly Invitae), Labcorp
Classification: Likely benign for Hypokalemic periodic paralysis, type 1; Malignant hyperthermia, susceptibility to, 5. Last evaluated: 2025-01-13. Review status: criteria provided, single submitter. Criteria: Invitae Variant Classification Sherloc (09022015). Collection method: clinical testing. Allele origin: germline.

All of Us Research Program, National Institutes of Health
Classification: Uncertain significance for Malignant hyperthermia, susceptibility to, 5. Last evaluated: 2024-09-23. Review status: criteria provided, single submitter. Criteria: ACMG Guidelines, 2015. Collection method: clinical testing. Allele origin: germline. Inheritance: Autosomal dominant inheritance. Observed: 1 variant allele, 1 heterozygote.
Comment: This study involves interpretation of variants in research participants for the purpose of population health screening. Participant phenotype was not available at the time of variant classification. Additional details can be found in publication PMID: 35346344, PMCID: PMC8962531

Ambry Genetics
Classification: Uncertain significance for Inborn genetic diseases. Last evaluated: 2024-08-20. Review status: criteria provided, single submitter. Criteria: Ambry Variant Classification Scheme 2023. Collection method: clinical testing. Allele origin: germline.